The following is an entry in ClinVar:

NM_003072.5(SMARCA4):c.860-10C>G

Gene: SMARCA4 (SWI/SNF related BAF chromatin remodeling complex subunit ATPase 4; plus strand). Cytogenetic location: 19p13.2.
Variant type: single nucleotide variant.
Coding change: c.860-10C>G on transcript NM_003072.5 (MANE Select); 10 bases into the intron before coding-DNA position 860, C replaced by G.
Molecular consequence: intron variant.
Genome position (GRCh38, 1-based): chr19:10,987,656, C>G. VCF-style: chr19-10987656-C-G. GRCh37 (hg19) VCF-style: chr19-11098332-C-G.
Other names: c.860-10C>G (NM_001128844.3, NM_001128849.3, NM_001128847.4 and 6 more transcripts).
Identifiers: ClinVar variation 3020750 (VCV003020750.4), dbSNP rs777131262, ClinGen allele CA9203611.

ClinVar aggregate classification (germline): Likely benign. Review status: criteria provided, multiple submitters, no conflicts (2 of 4 stars). 2 submissions from 2 submitters: Likely benign (2). Last evaluated 2026-07-06.

Conditions:
Rhabdoid tumor predisposition syndrome 2 (RTPS2). Identifiers: Orphanet 231108, Orphanet 69077, MedGen C2750074, MONDO:0013224, OMIM 613325.

Allele frequency attached by ClinVar (database versions not stated): ExAC 0.00002.
gnomAD v4.1: 7 of 1,613,094 alleles (0.00043%); highest among the groups gnomAD compares: Non-Finnish European, 0.00059%; no homozygotes.

Submissions (2):

Myriad Genetics, Inc.
Classification: Likely benign for Rhabdoid tumor predisposition syndrome 2. Last evaluated: 2026-07-06. Review status: criteria provided, single submitter. Criteria: Myriad Autosomal Dominant, Autosomal Recessive and X-Linked Classification Criteria (2023). Collection method: clinical testing. Allele origin: unknown.
Comment: This variant is considered likely benign. This variant is intronic and is not expected to impact mRNA splicing. This variant has been observed at a population frequency that is significantly greater than expected given the associated disease prevalence and penetrance.

Labcorp Genetics (formerly Invitae), Labcorp
Classification: Likely benign for Rhabdoid tumor predisposition syndrome 2. Last evaluated: 2025-03-27. Review status: criteria provided, single submitter. Criteria: Invitae Variant Classification Sherloc (09022015). Collection method: clinical testing. Allele origin: germline.